The following is an entry in ClinVar:

ClinVar aggregate classification (germline): Conflicting classifications of pathogenicity. Review status: criteria provided, conflicting classifications (1 of 4 stars). 9 submissions from 5 submitters: Uncertain significance (5); Likely benign (4). Last evaluated 2025-04-01.

Conditions:
Early-onset myopathy with fatal cardiomyopathy (CMYO5). Also called: CONGENITAL MYOPATHY 5 WITH CARDIOMYOPATHY; Salih Myopathy. Identifiers: Orphanet 289377, MedGen C2673677, MONDO:0012714, OMIM 611705. Disease mechanism: loss of function.
Autosomal recessive limb-girdle muscular dystrophy type 2J (LGMDR10). Also called: MUSCULAR DYSTROPHY, LIMB-GIRDLE, AUTOSOMAL RECESSIVE 10; Limb-girdle muscular dystrophy, type 2J. Identifiers: Orphanet 140922, MedGen C1837342, MONDO:0012127, OMIM 608807.
Cardiovascular phenotype. Identifiers: MedGen CN230736.
Dilated cardiomyopathy 1G (CMD1G). Identifiers: Orphanet 154, MedGen C1858763, MONDO:0011400, OMIM 604145.
Myopathy, myofibrillar, 9, with early respiratory failure (MFM9). Also called: Myopathy, distal, with early respiratory failure, autosomal dominant; EDSTROM MYOPATHY; Hereditary myopathy with early respiratory failure; MYOPATHY, PROXIMAL, WITH EARLY RESPIRATORY MUSCLE INVOLVEMENT. Identifiers: Orphanet 178464, Orphanet 34521, MedGen C1863599, MONDO:0011362, OMIM 603689.
Tibial muscular dystrophy (TMD). Also called: Udd Distal Myopathy – Tibial Muscular Dystrophy; UDD MYOPATHY; Tibial muscular dystrophy, tardive. Identifiers: Orphanet 609, MedGen C1838244, MONDO:0010870, OMIM 600334.

Allele frequency attached by ClinVar (database versions not stated): ExAC 0.00001; TOPMed 0.00001; gnomAD exomes 0.00002; 1000 Genomes Project 0.00020; 1000 Genomes Project 30x 0.00031.

Submissions (9):

CeGaT Center for Human Genetics Tuebingen
Classification: Likely benign. Last evaluated: 2025-04-01. Review status: criteria provided, single submitter. Criteria: CeGaT Center For Human Genetics Tuebingen Variant Classification Criteria Version 2. Collection method: clinical testing. Allele origin: germline. Affected: yes. Observed: 1 variant allele.
Comment: TTN: BP4, BP7

Labcorp Genetics (formerly Invitae), Labcorp
Classification: Likely benign for Dilated cardiomyopathy 1G; Autosomal recessive limb-girdle muscular dystrophy type 2J. Last evaluated: 2024-04-13. Review status: criteria provided, single submitter. Criteria: Invitae Variant Classification Sherloc (09022015). Collection method: clinical testing. Allele origin: germline.

Ambry Genetics
Classification: Likely benign for Cardiovascular phenotype. Last evaluated: 2023-10-02. Review status: criteria provided, single submitter. Criteria: Ambry Variant Classification Scheme 2023. Collection method: clinical testing. Allele origin: germline.

Blueprint Genetics
Classification: Likely benign. Last evaluated: 2021-04-19. Review status: criteria provided, single submitter. Criteria: ACMG Guidelines, 2015. Collection method: clinical testing. Allele origin: germline.

Illumina Laboratory Services, Illumina
Classification: Uncertain significance for Tibial muscular dystrophy. Last evaluated: 2018-01-13. Review status: criteria provided, single submitter. Criteria: ICSL Variant Classification Criteria 13 December 2019. Collection method: clinical testing. Allele origin: germline.

Illumina Laboratory Services, Illumina
Classification: Uncertain significance for Myopathy, myofibrillar, 9, with early respiratory failure. Last evaluated: 2018-01-13. Review status: criteria provided, single submitter. Criteria: ICSL Variant Classification Criteria 13 December 2019. Collection method: clinical testing. Allele origin: germline.

Illumina Laboratory Services, Illumina
Classification: Uncertain significance for Early-onset myopathy with fatal cardiomyopathy. Last evaluated: 2018-01-13. Review status: criteria provided, single submitter. Criteria: ICSL Variant Classification Criteria 13 December 2019. Collection method: clinical testing. Allele origin: germline.

Illumina Laboratory Services, Illumina
Classification: Uncertain significance for Autosomal recessive limb-girdle muscular dystrophy type 2J. Last evaluated: 2018-01-13. Review status: criteria provided, single submitter. Criteria: ICSL Variant Classification Criteria 13 December 2019. Collection method: clinical testing. Allele origin: germline.

Illumina Laboratory Services, Illumina
Classification: Uncertain significance for Dilated cardiomyopathy 1G. Last evaluated: 2018-01-13. Review status: criteria provided, single submitter. Criteria: ICSL Variant Classification Criteria 13 December 2019. Collection method: clinical testing. Allele origin: germline.

NM_001267550.2(TTN):c.10164G>T (p.Arg3388=)

Gene: TTN (titin; minus strand). Cytogenetic location: 2q31.2.
Variant type: single nucleotide variant.
Coding change: c.10164G>T on transcript NM_001267550.2 (MANE Select); coding-DNA position 10164, G replaced by T.
Protein change: p.Arg3388=; no amino-acid change (arginine 3388 retained).
Molecular consequence: synonymous variant.
Genome position (GRCh38, 1-based): chr2:178,759,123, C>A on the plus strand (G>T on the coding strand, the complement: TTN is on the minus strand). VCF-style: chr2-178759123-C-A. GRCh37 (hg19) VCF-style: chr2-179623850-C-A.
Other names: c.10164G>T, p.Arg3388= (NM_001256850.1, NM_133379.5, NM_133378.4); c.10026G>T, p.Arg3342= (NM_003319.4, NM_133432.3, NM_133437.4).
Identifiers: ClinVar variation 332938 (VCV000332938.29), dbSNP rs542799064, ClinGen allele CA2004158.